The following is an entry in ClinVar:

ClinVar aggregate classification (germline): Uncertain significance. Review status: criteria provided, multiple submitters, no conflicts (2 of 4 stars). 2 submissions from 2 submitters: Uncertain significance (2). Last evaluated 2024-12-09.

Conditions:
Familial thoracic aortic aneurysm and aortic dissection (TAAD). Also called: Thoracic aortic aneurysms and dissections. Identifiers: Orphanet 91387, MedGen C4707243, MONDO:0019625.

Submissions (2):

GeneDx
Classification: Uncertain significance. Last evaluated: 2024-12-09. Review status: criteria provided, single submitter. Criteria: GeneDx Variant Classification Process June 2021. Collection method: clinical testing. Allele origin: germline. Affected: yes.
Comment: Has not been previously published as pathogenic or benign to our knowledge; Not observed at significant frequency in large population cohorts (gnomAD); In silico analysis indicates that this variant does not alter protein structure/function

Ambry Genetics
Classification: Uncertain significance for Familial thoracic aortic aneurysm and aortic dissection. Last evaluated: 2024-02-16. Review status: criteria provided, single submitter. Criteria: Ambry Variant Classification Scheme 2023. Collection method: clinical testing. Allele origin: germline.
Comment: The c.2791_2792delCGinsAT variant (also known as p.R931M), located in coding exon 15 of the MYLK gene, results from an in-frame deletion of CG and insertion of AT at nucleotide positions 2791 to 2792. This results in the substitution of the arginine residue for a methionine residue at codon 931, an amino acid with similar properties. This amino acid position is well conserved in available vertebrate species. In addition, this alteration is predicted to be neutral by in silico analysis (Choi Y et al. PLoS ONE. 2012; 7(10):e46688). Since supporting evidence is limited at this time, the clinical significance of this alteration remains unclear.

NM_053025.4(MYLK):c.2791_2792delinsAT (p.Arg931Met)

Gene: MYLK (myosin light chain kinase; minus strand). Cytogenetic location: 3q21.1.
Variant type: Indel.
Coding change: c.2791_2792delinsAT on transcript NM_053025.4 (MANE Select); coding-DNA positions 2791 to 2792, CG replaced by AT.
Protein change: p.Arg931Met; replaces arginine 931 with methionine.
Molecular consequence: missense variant.
Genome position (GRCh38, 1-based): chr3:123,700,676-123,700,677, CG replaced by AT on the plus strand (CG replaced by AT on the coding strand, the reverse complement: MYLK is on the minus strand). VCF-style: chr3-123700676-CG-AT. GRCh37 (hg19) VCF-style: chr3-123419523-CG-AT.
Other names: c.2791_2792delinsAT (NM_053025.3); c.2263_2264delinsAT, p.Arg755Met (NM_001321309.2); c.2584_2585delinsAT, p.Arg862Met (NM_053026.4, NM_053028.4); c.2791_2792delinsAT, p.Arg931Met (NM_053027.4); c.2791_2792delCGinsAT (NM_053025.3); short protein forms R862M, R755M, R931M.
Identifiers: ClinVar variation 503835 (VCV000503835.5), dbSNP rs1553803967, ClinGen allele CA658796360.
Genomic context (GRCh38, chr3:123,700,676, plus strand): 5'-ACCTGCTGGGGGCTGTGCACCTTCCTCTCTTCCTCAGACACAGTCTTTGGCTTCACTTGC[CG>AT]CTGCAGGTTGGCACGGAAATCCATCTGCTCGGCTGGGATCTCCTTCAGGTCGTCTTCCGA-3'
Protein context (NP_444253.3, residues 921-941): EQMDFRANLQ[Arg931Met]QVKPKTVSEE